The following is an entry in ClinVar:

ClinVar aggregate classification (germline): Pathogenic (1 of 4 stars; one submission).

Submission:

Labcorp Genetics (formerly Invitae), Labcorp
Classification: Pathogenic. Last evaluated: 2025-05-28. Review status: criteria provided, single submitter. Criteria: Invitae Variant Classification Sherloc (09022015). Collection method: clinical testing. Allele origin: germline.
Comment: This sequence change creates a premature translational stop signal (p.Asn2784Lysfs*15) in the FAT4 gene. It is expected to result in an absent or disrupted protein product. Loss-of-function variants in FAT4 are known to be pathogenic (PMID: 24056717, 24913602). This variant is not present in population databases (gnomAD no frequency). This variant has not been reported in the literature in individuals affected with FAT4-related conditions. For these reasons, this variant has been classified as Pathogenic.

Literature cited by the submitters: PubMed 24056717; PubMed 24913602.

NM_001291303.3(FAT4):c.8357dup (p.Asn2786fs)

Gene: FAT4 (FAT atypical cadherin 4; plus strand). Cytogenetic location: 4q28.1.
Variant type: Duplication.
Coding change: c.8357dup on transcript NM_001291303.3 (MANE Select); coding-DNA position 8357, one base duplicated (A; older notation c.8357dupA).
Protein change: p.Asn2786fs; shifts the reading frame from asparagine 2786.
Molecular consequence: frameshift variant.
Genome position (GRCh38, 1-based): chr4:125,449,367, A duplicated; the last of 4 consecutive A bases (chr4:125,449,364-125,449,367); duplicating any one gives the same sequence. VCF-style (leftmost placement, unchanged base first): chr4-125449363-G-GA. GRCh37 (hg19) VCF-style: chr4-126370518-G-GA.
Other names: c.8357dup, p.Asn2786fs (NM_001291285.3, NM_001438396.1, NM_001438397.1); c.3128dup, p.Asn1043fs (NM_001437895.1); c.8351dup, p.Asn2784fs (NM_024582.6); short protein forms N2786fs, N2784fs, N1043fs.
Identifiers: ClinVar variation 4720398 (VCV004720398.1).